The following is an entry in ClinVar:

NM_000274.4(OAT):c.1110C>T (p.Ala370=)

Gene: OAT (ornithine aminotransferase; minus strand). Cytogenetic location: 10q26.13.
Variant type: single nucleotide variant.
Coding change: c.1110C>T on transcript NM_000274.4 (MANE Select); coding-DNA position 1110, C replaced by T.
Protein change: p.Ala370=; no amino-acid change (alanine 370 retained).
Molecular consequence: synonymous variant.
Genome position (GRCh38, 1-based): chr10:124,400,889, G>A on the plus strand (C>T on the coding strand, the complement: OAT is on the minus strand). VCF-style: chr10-124400889-G-A. GRCh37 (hg19) VCF-style: chr10-126089458-G-A.
Other names: c.1110C>T (NM_000274.3); c.696C>T, p.Ala232= (NM_001171814.2); c.1110C>T, p.Ala370= (NM_001322965.2, NM_001322966.2, NM_001322967.2 and 3 more transcripts); c.789C>T, p.Ala263= (NM_001322971.2); c.510C>T, p.Ala170= (NM_001322974.2).
Identifiers: ClinVar variation 1080234 (VCV001080234.13), dbSNP rs148325838, ClinGen allele CA5733331.

ClinVar aggregate classification (germline): Likely benign. Review status: criteria provided, multiple submitters, no conflicts (2 of 4 stars). 5 submissions from 5 submitters: Likely benign (4). 1 of the submissions does not count toward it. Last evaluated 2025-12-17.

Conditions:
Ornithine aminotransferase deficiency (GACR). Also called: Ornithine ketoacid aminotransferase deficiency; Gyrate atrophy; Gyrate atrophy of choroid and retina; Girate atrophy of the retina; HYPERORNITHINEMIA WITH GYRATE ATROPHY OF CHOROID AND RETINA; OKT DEFICIENCY. Identifiers: Orphanet 414, MedGen C0018425, MONDO:0009796, OMIM 258870.
OAT-related disorder. Also called: OAT-related condition.

Allele frequency attached by ClinVar (database versions not stated): ESP Exome Variant Server 0.00008; TOPMed 0.00008; gnomAD 0.00009 and 0.00007; 1000 Genomes Project 30x 0.00016; 1000 Genomes Project 0.00020.
gnomAD v4.1: 111 of 1,605,326 alleles (0.0069%); highest among the groups gnomAD compares: South Asian, 0.086%; no homozygotes.

Submissions (5):

Labcorp Genetics (formerly Invitae), Labcorp
Classification: Likely benign for Ornithine aminotransferase deficiency. Last evaluated: 2025-12-17. Review status: criteria provided, single submitter. Criteria: Invitae Variant Classification Sherloc (09022015). Collection method: clinical testing. Allele origin: germline.

PreventionGenetics, part of Exact Sciences
Classification: Likely benign for OAT-related condition. Last evaluated: 2025-12-15. Review status: criteria provided, single submitter. Criteria: ACMG Guidelines, 2015. Collection method: clinical testing. Allele origin: germline.
Comment: This variant is classified as likely benign based on ACMG/AMP sequence variant interpretation guidelines (Richards et al. 2015 PMID: 25741868, with internal and published modifications).

Blueprint Genetics
Classification: Likely benign. Last evaluated: 2024-10-07. Review status: criteria provided, single submitter. Criteria: ACMG Guidelines, 2015. Collection method: clinical testing. Allele origin: germline.

Fulgent Genetics
Classification: Likely benign for Ornithine aminotransferase deficiency. Last evaluated: 2022-04-29. Review status: criteria provided, single submitter. Criteria: ACMG Guidelines, 2015. Collection method: clinical testing. Allele origin: unknown.

Natera, Inc.
Classification: Likely benign for Gyrate atrophy. Last evaluated: 2019-10-24. Review status: no assertion criteria provided. Collection method: clinical testing. Allele origin: germline. Not counted in ClinVar's aggregate classification.